The following is an entry in ClinVar:

NM_001458.5(FLNC):c.7061C>A (p.Pro2354His)

Genes: FLNC (filamin C; plus strand), FLNC-AS1 (FLNC antisense RNA 1; minus strand). Cytogenetic location: 7q32.1.
Variant type: single nucleotide variant.
Coding change: c.7061C>A on transcript NM_001458.5 (MANE Select); coding-DNA position 7061, C replaced by A.
Protein change: p.Pro2354His; replaces proline 2354 with histidine.
Molecular consequence: missense variant.
Genome position (GRCh38, 1-based): chr7:128,854,838, C>A. VCF-style: chr7-128854838-C-A. GRCh37 (hg19) VCF-style: chr7-128494892-C-A.
Other names: c.6962C>A, p.Pro2321His (NM_001127487.2); short protein forms P2321H, P2354H.
Identifiers: ClinVar variation 3906715 (VCV003906715.1).
Genomic context (GRCh38, chr7:128,854,838, plus strand): 5'-AGTTCAGCATCTGGACCCGGGAGGCTGGCGCTGGGGGCCTGTCCATTGCTGTGGAGGGTC[C>A]TAGCAAAGCGGAGATTGCATTTGAGGATCGCAAAGATGGCTCCTGCGGCGTCTCCTATGT-3'
Protein context (NP_001449.3, residues 2344-2364): AGGLSIAVEG[Pro2354His]SKAEIAFEDR

ClinVar aggregate classification (germline): Uncertain significance (1 of 4 stars; one submission).

Submission:

GeneDx
Classification: Uncertain significance. Last evaluated: 2024-12-17. Review status: criteria provided, single submitter. Criteria: GeneDx Variant Classification Process June 2021. Collection method: clinical testing. Allele origin: germline. Affected: yes.
Comment: Not observed at significant frequency in large population cohorts (gnomAD); In silico analysis supports that this missense variant has a deleterious effect on protein structure/function; Has not been previously published as pathogenic or benign to our knowledge